The following is an entry in ClinVar:

NM_001243133.2(NLRP3):c.977G>A (p.Gly326Glu)

Gene: NLRP3 (NLR family pyrin domain containing 3; plus strand). Cytogenetic location: 1q44.
Variant type: single nucleotide variant.
Coding change: c.977G>A on transcript NM_001243133.2 (MANE Select); coding-DNA position 977, G replaced by A.
Protein change: p.Gly326Glu; replaces glycine 326 with glutamic acid.
Molecular consequence: missense variant.
Genome position (GRCh38, 1-based): chr1:247,424,426, G>A. VCF-style: chr1-247424426-G-A. GRCh37 (hg19) VCF-style: chr1-247587728-G-A.
Other names: c.977G>A, p.Gly326Glu (NM_001079821.3, NM_001127461.3, NM_001127462.3 and 1 more transcripts); c.983G>A, p.Gly328Glu (NM_004895.5); short protein forms G328E, G326E.
Identifiers: ClinVar variation 97992 (VCV000097992.8), dbSNP rs180177456, ClinGen allele CA281443.

ClinVar aggregate classification (germline): Pathogenic. Review status: criteria provided, single submitter (1 of 4 stars). 2 submissions from 2 submitters: Pathogenic (1). 1 of the submissions does not count toward it. Last evaluated 2019-04-11.

Conditions:
Cryopyrin associated periodic syndrome (CAPS). Identifiers: Orphanet 208650, MedGen C2316212, MONDO:0016168.
Familial cold autoinflammatory syndrome 1 (FCAS1). Also called: Familial cold inflammatory syndrome 1; CRYOPYRIN-ASSOCIATED PERIODIC SYNDROME 1. Identifiers: Orphanet 47045, MedGen C4551895, MONDO:0007349, OMIM 120100.

Submissions (2):

Labcorp Genetics (formerly Invitae), Labcorp
Classification: Pathogenic for Cryopyrin associated periodic syndrome. Last evaluated: 2019-04-11. Review status: criteria provided, single submitter. Criteria: Invitae Variant Classification Sherloc (09022015). Collection method: clinical testing. Allele origin: germline.
Comment: This sequence change replaces glycine with glutamic acid at codon 328 of the NLRP3 protein (p.Gly328Glu). The glycine residue is moderately conserved and there is a moderate physicochemical difference between glycine and glutamic acid. This variant is not present in population databases (ExAC no frequency). This variant has been observed to segregate with cryopyrin-associated periodic syndrome (CAPS) in a family (PMID: 30338413), and has been observed in several unrelated individuals affected with clinical features of CAPS (PMID: 15724022, 24773462, Invitae). This variant is also known as G326E in the literature. ClinVar contains an entry for this variant (Variation ID: 97992). Algorithms developed to predict the effect of missense changes on protein structure and function are either unavailable or do not agree on the potential impact of this missense change (SIFT: "Tolerated"; PolyPhen-2: "Probably Damaging"; Align-GVGD: "Class C0"). For these reasons, this variant has been classified as Pathogenic.

Unité médicale des maladies autoinflammatoires, CHRU Montpellier
No classification provided. Condition: Familial cold urticaria. Review status: no classification provided. Collection method: not provided. Allele origin: unknown. Not counted in ClinVar's aggregate classification.
Comment: also involved in OMIM 191900 and 607115

Literature cited by the submitters: PubMed 30338413 (cited by Labcorp Genetics (formerly Invitae), Labcorp); PubMed 15724022 (cited by Labcorp Genetics (formerly Invitae), Labcorp); PubMed 24773462 (cited by Labcorp Genetics (formerly Invitae), Labcorp).